The following is an entry in ClinVar:

ClinVar aggregate classification (germline): Pathogenic (1 of 4 stars; one submission).

Submission:

Labcorp Genetics (formerly Invitae), Labcorp
Classification: Pathogenic. Last evaluated: 2023-02-21. Review status: criteria provided, single submitter. Criteria: Invitae Variant Classification Sherloc (09022015). Collection method: clinical testing. Allele origin: germline.
Comment: For these reasons, this variant has been classified as Pathogenic. This variant has not been reported in the literature in individuals affected with ALPK3-related conditions. This variant is not present in population databases (gnomAD no frequency). This sequence change creates a premature translational stop signal (p.Ser1178Metfs*22) in the ALPK3 gene. It is expected to result in an absent or disrupted protein product. Loss-of-function variants in ALPK3 are known to be pathogenic (PMID: 21441111, 26846950, 27106955, 34263907).

Literature cited by the submitters: PubMed 21441111; PubMed 26846950; PubMed 27106955; PubMed 34263907.

NM_020778.5(ALPK3):c.2927del (p.Ser976fs)

Gene: ALPK3 (alpha kinase 3; plus strand). Cytogenetic location: 15q25.3.
Variant type: Deletion.
Coding change: c.2927del on transcript NM_020778.5 (MANE Select); coding-DNA position 2927, one base deleted (G; older notation c.2927delG).
Protein change: p.Ser976fs; shifts the reading frame from serine 976.
Molecular consequence: frameshift variant.
Genome position (GRCh38, 1-based): chr15:84,857,665, G deleted. VCF-style (leftmost placement, unchanged base first): chr15-84857664-AG-A. GRCh37 (hg19) VCF-style: chr15-85400895-AG-A.
Other names: short protein forms S976fs.
Identifiers: ClinVar variation 2839463 (VCV002839463.3), dbSNP rs2505720989, ClinGen allele CA2739269624.